The following is an entry in ClinVar:

ClinVar aggregate classification (germline): Uncertain significance (1 of 4 stars; one submission).

Conditions:
Compton-North congenital myopathy (CMYO12). Identifiers: Orphanet 210163, MedGen C2675527, MONDO:0012929, OMIM 612540.

Allele frequency attached by ClinVar (database versions not stated): gnomAD 0.00007 and 0.00016; gnomAD exomes 0.00008 and 0.00014; ExAC 0.00019; TOPMed 0.00028.

Submission:

Labcorp Genetics (formerly Invitae), Labcorp
Classification: Uncertain significance for Compton-North congenital myopathy. Last evaluated: 2022-08-23. Review status: criteria provided, single submitter. Criteria: Invitae Variant Classification Sherloc (09022015). Collection method: clinical testing. Allele origin: germline.
Comment: This sequence change falls in intron 15 of the CNTN1 gene. It does not directly change the encoded amino acid sequence of the CNTN1 protein. It affects a nucleotide within the consensus splice site. This variant is present in population databases (rs771301005, gnomAD 0.09%). This variant has not been reported in the literature in individuals affected with CNTN1-related conditions. ClinVar contains an entry for this variant (Variation ID: 469414). Variants that disrupt the consensus splice site are a relatively common cause of aberrant splicing (PMID: 17576681, 9536098). Algorithms developed to predict the effect of sequence changes on RNA splicing suggest that this variant is not likely to affect RNA splicing. In summary, the available evidence is currently insufficient to determine the role of this variant in disease. Therefore, it has been classified as a Variant of Uncertain Significance.

Literature cited by the submitters: PubMed 17576681; PubMed 9536098.

NM_001843.4(CNTN1):c.1805-3C>T

Gene: CNTN1 (contactin 1; plus strand). Cytogenetic location: 12q12.
Variant type: single nucleotide variant.
Coding change: c.1805-3C>T on transcript NM_001843.4 (MANE Select); 3 bases into the intron before coding-DNA position 1805, C replaced by T.
Molecular consequence: intron variant.
Genome position (GRCh38, 1-based): chr12:40,980,906, C>T. VCF-style: chr12-40980906-C-T. GRCh37 (hg19) VCF-style: chr12-41374708-C-T.
Other names: c.1772-3C>T (NM_175038.2).
Identifiers: ClinVar variation 469414 (VCV000469414.7), dbSNP rs771301005, ClinGen allele CA6516992.